The following is an entry in ClinVar:

NM_178822.5(IGSF10):c.1382C>T (p.Pro461Leu)

Gene: IGSF10 (immunoglobulin superfamily member 10; minus strand). Cytogenetic location: 3q25.1.
Variant type: single nucleotide variant.
Coding change: c.1382C>T on transcript NM_178822.5 (MANE Select); coding-DNA position 1382, C replaced by T.
Protein change: p.Pro461Leu; replaces proline 461 with leucine.
Molecular consequence: missense variant.
Genome position (GRCh38, 1-based): chr3:151,448,599, G>A on the plus strand (C>T on the coding strand, the complement: IGSF10 is on the minus strand). VCF-style: chr3-151448599-G-A. GRCh37 (hg19) VCF-style: chr3-151166387-G-A.
Other names: c.1382C>T, p.Pro461Leu (NM_001385060.1, NM_001385061.1, NM_001385062.1 and 1 more transcripts); c.1382C>T (NM_178822.4); short protein forms P461L.
Identifiers: ClinVar variation 2040719 (VCV002040719.6), dbSNP rs73010405, ClinGen allele CA2670557.

ClinVar aggregate classification (germline): Benign. Review status: criteria provided, single submitter (1 of 4 stars). 2 submissions from 2 submitters: Benign (1). 1 of the submissions does not count toward it. Last evaluated 2025-09-10.

Conditions:
IGSF10-related disorder. Also called: IGSF10-related condition.

Allele frequency attached by ClinVar (database versions not stated): gnomAD exomes 0.00052; ExAC 0.00161; gnomAD 0.00527; ESP Exome Variant Server 0.00531; TOPMed 0.00597; 1000 Genomes Project 0.00659; 1000 Genomes Project 30x 0.00703.
gnomAD v4.1: 1,595 of 1,613,978 alleles (0.099%); highest among the groups gnomAD compares: African/African-American, 2%; 17 homozygotes.

Submissions (2):

Labcorp Genetics (formerly Invitae), Labcorp
Classification: Benign. Last evaluated: 2025-09-10. Review status: criteria provided, single submitter. Criteria: Invitae Variant Classification Sherloc (09022015). Collection method: clinical testing. Allele origin: germline.

PreventionGenetics, part of Exact Sciences
Classification: Benign for IGSF10-related condition. Last evaluated: 2019-11-16. Review status: no assertion criteria provided. Collection method: clinical testing. Allele origin: germline. Not counted in ClinVar's aggregate classification.
Comment: This variant is classified as benign based on ACMG/AMP sequence variant interpretation guidelines (Richards et al. 2015 PMID: 25741868, with internal and published modifications).